The following is an entry in ClinVar:

NM_006269.2(RP1):c.3317T>A (p.Val1106Asp)

Gene: RP1 (RP1 axonemal microtubule associated; plus strand). Cytogenetic location: 8q12.1.
Variant type: single nucleotide variant.
Coding change: c.3317T>A on transcript NM_006269.2 (MANE Select); coding-DNA position 3317, T replaced by A.
Protein change: p.Val1106Asp; replaces valine 1106 with aspartic acid.
Molecular consequence: missense variant. On other transcripts: intron variant (1).
Genome position (GRCh38, 1-based): chr8:54,627,199, T>A. VCF-style: chr8-54627199-T-A. GRCh37 (hg19) VCF-style: chr8-55539759-T-A.
Other names: c.787+4911T>A (NM_001375654.1); short protein forms V1106D.
Identifiers: ClinVar variation 1064242 (VCV001064242.9), dbSNP rs1043235694, ClinGen allele CA370996107.

ClinVar aggregate classification (germline): Uncertain significance (1 of 4 stars; one submission).

gnomAD v4.1: 9 of 1,614,076 alleles (0.00056%); highest among the groups gnomAD compares: Non-Finnish European, 0.00076%; no homozygotes.

Submission:

Labcorp Genetics (formerly Invitae), Labcorp
Classification: Uncertain significance. Last evaluated: 2023-10-13. Review status: criteria provided, single submitter. Criteria: Invitae Variant Classification Sherloc (09022015). Collection method: clinical testing. Allele origin: germline.
Comment: This sequence change replaces valine, which is neutral and non-polar, with aspartic acid, which is acidic and polar, at codon 1106 of the RP1 protein (p.Val1106Asp). This variant is not present in population databases (gnomAD no frequency). This variant has not been reported in the literature in individuals affected with RP1-related conditions. ClinVar contains an entry for this variant (Variation ID: 1064242). An algorithm developed to predict the effect of missense changes on protein structure and function (PolyPhen-2) suggests that this variant is likely to be disruptive. In summary, the available evidence is currently insufficient to determine the role of this variant in disease. Therefore, it has been classified as a Variant of Uncertain Significance.